The following is an entry in ClinVar:

ClinVar aggregate classification (germline): Uncertain significance. Review status: criteria provided, multiple submitters, no conflicts (2 of 4 stars). 10 submissions from 10 submitters: Uncertain significance (9). 1 of the submissions does not count toward it. Last evaluated 2026-02-20.

Conditions:
Hereditary cancer-predisposing syndrome. Also called: Neoplastic Syndromes, Hereditary; Tumor predisposition; Hereditary Cancer Syndrome; Hereditary neoplastic syndrome. Identifiers: Orphanet 140162, MedGen C0027672, MeSH D009386, MONDO:0015356.
Hereditary breast ovarian cancer syndrome. Also called: Hereditary breast and ovarian cancer syndrome; Hereditary breast and ovarian cancer; Hereditary breast and ovarian cancer syndrome (HBOC); Breast and ovarian cancer; Hereditary breast and/or ovarian cancer syndrome; BRCA1- and BRCA2-Associated Hereditary Breast and Ovarian Cancer. Identifiers: Orphanet 145, MedGen C0677776, MeSH D061325, MONDO:0003582. Disease mechanism: loss of function.
Breast-ovarian cancer, familial, susceptibility to, 2 (BROVCA2). Also called: BRCA2 Hereditary Breast and Ovarian Cancer. Identifiers: Orphanet 145, MedGen C2675520, MONDO:0012933, OMIM 612555. Disease mechanism: loss of function.

Allele frequency attached by ClinVar (database versions not stated): gnomAD 0.00001; TOPMed 0.00001.
gnomAD v4.1: 1 of 1,613,816 alleles (0.000062%); highest among the groups gnomAD compares: Non-Finnish European, 0.000085%; no homozygotes.

Submissions (10):

St. Jude Molecular Pathology, St. Jude Children's Research Hospital
Classification: Uncertain significance for Breast-ovarian cancer, familial, susceptibility to, 2. Last evaluated: 2026-02-20. Review status: criteria provided, single submitter. Criteria: St. Jude Assertion Criteria 2020. Collection method: clinical testing. Allele origin: germline.
Comment: The BRCA2 c.263T>G p.(Leu88Arg) missense change is absent in gnomAD v2.1.1. The in silico tool REVEL predicts a benign effect on protein function, but to our knowl edge this prediction has not been confirmed by functional studies. This variant has been reported in one individual undergoing genetic testing as part of a cohort with a personal/family history of BRCA2-related disease (PMID: 31853058). In summary, the e vidence currently available is insufficient to determine the clinical significance of this variant. It has therefore been classified as of uncertain significance.

Labcorp Genetics (formerly Invitae), Labcorp
Classification: Uncertain significance for Hereditary breast ovarian cancer syndrome. Last evaluated: 2026-01-11. Review status: criteria provided, single submitter. Criteria: Invitae Variant Classification Sherloc (09022015). Collection method: clinical testing. Allele origin: germline.
Comment: This sequence change replaces leucine, which is neutral and non-polar, with arginine, which is basic and polar, at codon 88 of the BRCA2 protein (p.Leu88Arg). This variant is not present in population databases (gnomAD no frequency). This missense change has been observed in individual(s) with clinical features of BRCA2-related conditions (PMID: 10923033). ClinVar contains an entry for this variant (Variation ID: 51320). Invitae Evidence Modeling of protein sequence and biophysical properties (such as structural, functional, and spatial information, amino acid conservation, physicochemical variation, residue mobility, and thermodynamic stability) indicates that this missense variant is not expected to disrupt BRCA2 protein function with a negative predictive value of 95%. In summary, the available evidence is currently insufficient to determine the role of this variant in disease. Therefore, it has been classified as a Variant of Uncertain Significance.

Quest Diagnostics Nichols Institute San Juan Capistrano
Classification: Uncertain significance. Last evaluated: 2024-11-05. Review status: criteria provided, single submitter. Criteria: Quest Diagnostics criteria. Collection method: clinical testing. Allele origin: unknown.
Comment: The BRCA2 c.263T>G (p.Leu88Arg) variant has been reported in the published literature in individuals undergoing genetic testing (PMID: 31853058 (2020), 30122538 (2018)). The frequency of this variant in the general population, 0.0000066 (1/152254 chromosomes (Genome Aggregation Database)), is uninformative in the assessment of its pathogenicity. Analysis of this variant using bioinformatics tools for the prediction of the effect of amino acid changes on protein structure and function yielded conflicting predictions that this variant is benign or damaging. Based on the available information, we are unable to determine the clinical significance of this variant.

Ambry Genetics
Classification: Uncertain significance for Hereditary cancer-predisposing syndrome. Last evaluated: 2024-06-20. Review status: criteria provided, single submitter. Criteria: Ambry Variant Classification Scheme 2023. Collection method: clinical testing. Allele origin: germline.
Comment: The p.L88R variant (also known as c.263T>G), located in coding exon 2 of the BRCA2 gene, results from a T to G substitution at nucleotide position 263. The leucine at codon 88 is replaced by arginine, an amino acid with dissimilar properties. This amino acid position is not well conserved in available vertebrate species. In addition, the in silico prediction for this alteration is inconclusive. Based on the available evidence, the clinical significance of this variant remains unclear.

All of Us Research Program, National Institutes of Health
Classification: Uncertain significance for Breast-ovarian cancer, familial, susceptibility to, 2. Last evaluated: 2023-08-15. Review status: criteria provided, single submitter. Criteria: ACMG Guidelines, 2015. Collection method: clinical testing. Allele origin: germline. Inheritance: Autosomal dominant inheritance. Observed: 1 variant allele, 1 heterozygote.
Comment: This study involves interpretation of variants in research participants for the purpose of population health screening. Participant phenotype was not available at the time of variant classification. Additional details can be found in publication PMID: 35346344, PMCID: PMC8962531

GeneDx
Classification: Uncertain significance. Last evaluated: 2022-06-23. Review status: criteria provided, single submitter. Criteria: GeneDx Variant Classification Process June 2021. Collection method: clinical testing. Allele origin: germline. Affected: yes.
Comment: Identified in individuals undergoing exome sequencing on a research basis (Sapp 2018); Not observed at significant frequency in large population cohorts (gnomAD); In silico analysis supports that this missense variant does not alter protein structure/function; Also known as 491T>G; This variant is associated with the following publications: (PMID: 31131967, 30122538)

Sema4
Classification: Uncertain significance for Hereditary cancer-predisposing syndrome. Last evaluated: 2021-04-28. Review status: criteria provided, single submitter. Criteria: Sema4 Curation Guidelines. Collection method: curation. Allele origin: germline.
Comment: To the best of our knowledge, the BRCA2 c.263T>G (p.L88R) variant has not been reported in individuals with BRCA2-related disease. It was not observed in the large and broad cohorts of the Genome Aggregation Database. The variant has been reported in ClinVar (Variation ID 51320). Functional studies have not been performed, and in silico predictions of the variant's effect on protein function are inconclusive. The evidence is insufficient to meet ACMG/AMP criteria for classifying the variant as benign or pathogenic. Thus, the clinical significance of this variant is currently uncertain.

Color Diagnostics, LLC DBA Color Health
Classification: Uncertain significance for Hereditary cancer-predisposing syndrome. Last evaluated: 2019-02-18. Review status: criteria provided, single submitter. Criteria: ACMG Guidelines, 2015. Collection method: clinical testing. Allele origin: germline.

Women's Health and Genetics/Laboratory Corporation of America, LabCorp
Classification: Uncertain significance. Last evaluated: 2016-02-19. Review status: criteria provided, single submitter. Criteria: LabCorp Variant Classification Summary - May 2015. Collection method: clinical testing. Allele origin: germline.
Comment: Variant summary: c.263T>G affects a non-conserved nucleotide, resulting in amino acid change from Leu to Arg. 4/5 in-silico tools predict this variant to be damaging. This variant was not found in 120766 control chromosomes, and it has not been, to our knowledge, reported in affected individuals via publications; nor evaluated for functional impact by in vivo/vitro studies. Because of the absence of clinical information and the lack of functional studies, the variant was classified as a variant of uncertain significance (VUS) until additional information becomes available.

Breast Cancer Information Core (BIC) (BRCA2)
Classification: Uncertain significance for Breast-ovarian cancer, familial 2. Last evaluated: 2003-12-23. Review status: no assertion criteria provided. Collection method: clinical testing. Allele origin: germline. Affected: yes. Observed: 1 variant allele. Not counted in ClinVar's aggregate classification.

Literature cited by the submitters: PubMed 10923033 (cited by Labcorp Genetics (formerly Invitae), Labcorp); PubMed 30122538 (cited by Quest Diagnostics Nichols Institute San Juan Capistrano); PubMed 31131967 (cited by Quest Diagnostics Nichols Institute San Juan Capistrano); PubMed 31853058 (cited by Quest Diagnostics Nichols Institute San Juan Capistrano).

NM_000059.4(BRCA2):c.263T>G (p.Leu88Arg)

Gene: BRCA2 (BRCA2 DNA repair associated; plus strand). Cytogenetic location: 13q13.1.
Variant type: single nucleotide variant.
Coding change: c.263T>G on transcript NM_000059.4 (MANE Select); coding-DNA position 263, T replaced by G.
Protein change: p.Leu88Arg; replaces leucine 88 with arginine.
Molecular consequence: missense variant.
Genome position (GRCh38, 1-based): chr13:32,319,272, T>G. VCF-style: chr13-32319272-T-G. GRCh37 (hg19) VCF-style: chr13-32893409-T-G.
Other names: short protein forms L88R.
Identifiers: ClinVar variation 51320 (VCV000051320.24), dbSNP rs80358525, ClinGen allele CA015933.